The following is an entry in ClinVar:

ClinVar aggregate classification (germline): Uncertain significance. Review status: criteria provided, multiple submitters, no conflicts (2 of 4 stars). 2 submissions from 2 submitters: Uncertain significance (2). Last evaluated 2021-04-12.

Conditions:
Intellectual disability-facial dysmorphism syndrome due to SETD5 haploinsufficiency (MRD23). Also called: Intellectual developmental disorder, autosomal dominant 23. Identifiers: Orphanet 404440, MedGen C3810406, MONDO:0014336, OMIM 615761.

Allele frequency attached by ClinVar (database versions not stated): TOPMed below 0.00001; gnomAD 0.00001.
gnomAD v4.1: 2 of 1,592,584 alleles (0.00013%); highest among the groups gnomAD compares: Non-Finnish European, 0.000086%; no homozygotes.

Submissions (2):

Labcorp Genetics (formerly Invitae), Labcorp
Classification: Uncertain significance. Last evaluated: 2021-04-12. Review status: criteria provided, single submitter. Criteria: Invitae Variant Classification Sherloc (09022015). Collection method: clinical testing. Allele origin: germline.
Comment: Algorithms developed to predict the effect of missense changes on protein structure and function are either unavailable or do not agree on the potential impact of this missense change (SIFT: "Deleterious"; PolyPhen-2: "Probably Damaging"; Align-GVGD: "Class C0"). In summary, the available evidence is currently insufficient to determine the role of this variant in disease. Therefore, it has been classified as a Variant of Uncertain Significance. This variant has not been reported in the literature in individuals with SETD5-related conditions. ClinVar contains an entry for this variant (Variation ID: 393550). This sequence change replaces arginine with cysteine at codon 180 of the SETD5 protein (p.Arg180Cys). The arginine residue is highly conserved and there is a large physicochemical difference between arginine and cysteine. This variant is not present in population databases (ExAC no frequency).

HudsonAlpha Institute for Biotechnology
Classification: Uncertain significance for Intellectual disability-facial dysmorphism syndrome due to SETD5 haploinsufficiency. Last evaluated: 2017-02-09. Review status: criteria provided, single submitter. Criteria: HA_assertions_20161101. Collection method: research. Allele origin: unknown. Affected: yes. Observed: 1 variant allele. Study: CSER-HudsonAlpha.

NM_001080517.3(SETD5):c.538C>T (p.Arg180Cys)

Gene: SETD5 (SET domain containing 5; plus strand). Cytogenetic location: 3p25.3.
Variant type: single nucleotide variant.
Coding change: c.538C>T on transcript NM_001080517.3 (MANE Select); coding-DNA position 538, C replaced by T.
Protein change: p.Arg180Cys; replaces arginine 180 with cysteine.
Molecular consequence: missense variant.
Genome position (GRCh38, 1-based): chr3:9,435,877, C>T. VCF-style: chr3-9435877-C-T. GRCh37 (hg19) VCF-style: chr3-9477561-C-T.
Other names: c.205C>T, p.Arg69Cys (NM_001292043.2, NM_001349451.2); short protein forms R180C, R69C.
Identifiers: ClinVar variation 393550 (VCV000393550.9), dbSNP rs753185558, ClinGen allele CA16609356.